The following is an entry in ClinVar:

NM_003327.4(TNFRSF4):c.29G>T (p.Arg10Leu)

Gene: TNFRSF4 (TNF receptor superfamily member 4; minus strand). Cytogenetic location: 1p36.33.
Variant type: single nucleotide variant.
Coding change: c.29G>T on transcript NM_003327.4 (MANE Select); coding-DNA position 29, G replaced by T.
Protein change: p.Arg10Leu; replaces arginine 10 with leucine.
Molecular consequence: missense variant.
Genome position (GRCh38, 1-based): chr1:1,214,099, C>A on the plus strand (G>T on the coding strand, the complement: TNFRSF4 is on the minus strand). VCF-style: chr1-1214099-C-A. GRCh37 (hg19) VCF-style: chr1-1149479-C-A.
Other names: short protein forms R10L.
Identifiers: ClinVar variation 1449784 (VCV001449784.8), dbSNP rs774474644, ClinGen allele CA512707.
Genomic context (GRCh38, chr1:1,214,099, plus strand): 5'-TGGAGCCCCGTCACGGTGCTCAGCCCCAGGCCCAGGAGGAGCAGAGCCGCACACGGCCCG[C>A]GGCCCAGCCGCCGAGCCCCCACGCACATCCTCGTCTCTGCTGTCGCCAGAGTCTGGGTTT-3'
Protein context (NP_003318.1, residues 1-20): MCVGARRLG[Arg10Leu]GPCAALLLLG

ClinVar aggregate classification (germline): Uncertain significance (1 of 4 stars; one submission).

Conditions:
Combined immunodeficiency due to OX40 deficiency. Also called: OX40 DEFICIENCY; Immunodeficiency 16. Identifiers: Orphanet 431149, MedGen C3810053, MONDO:0014268, OMIM 615593.

Submission:

Labcorp Genetics (formerly Invitae), Labcorp
Classification: Uncertain significance for Combined immunodeficiency due to OX40 deficiency. Last evaluated: 2025-02-15. Review status: criteria provided, single submitter. Criteria: Invitae Variant Classification Sherloc (09022015). Collection method: clinical testing. Allele origin: germline.
Comment: This sequence change replaces arginine, which is basic and polar, with leucine, which is neutral and non-polar, at codon 10 of the TNFRSF4 protein (p.Arg10Leu). This variant is present in population databases (rs774474644, gnomAD 0.02%). This variant has not been reported in the literature in individuals affected with TNFRSF4-related conditions. ClinVar contains an entry for this variant (Variation ID: 1449784). Experimental studies and prediction algorithms are not available or were not evaluated, and the functional significance of this variant is currently unknown. In summary, the available evidence is currently insufficient to determine the role of this variant in disease. Therefore, it has been classified as a Variant of Uncertain Significance.